The following is an entry in ClinVar:

NM_004859.4(CLTC):c.520-8C>G

Gene: CLTC (clathrin heavy chain; plus strand). Cytogenetic location: 17q23.1.
Variant type: single nucleotide variant.
Coding change: c.520-8C>G on transcript NM_004859.4 (MANE Select); 8 bases into the intron before coding-DNA position 520, C replaced by G.
Molecular consequence: intron variant.
Genome position (GRCh38, 1-based): chr17:59,648,232, C>G. VCF-style: chr17-59648232-C-G. GRCh37 (hg19) VCF-style: chr17-57725593-C-G.
Other names: c.532-8C>G (NM_001288653.1, NM_001288653.2).
Identifiers: ClinVar variation 1596347 (VCV001596347.10), dbSNP rs373954320, ClinGen allele CA8681075.

ClinVar aggregate classification (germline): Likely benign. Review status: criteria provided, multiple submitters, no conflicts (2 of 4 stars). 2 submissions from 2 submitters: Likely benign (2). Last evaluated 2025-05-22.

Conditions:
CLTC-related disorder. Also called: CLTC-related condition.

Allele frequency attached by ClinVar (database versions not stated): ExAC 0.00003; gnomAD exomes 0.00005 and 0.00007; gnomAD 0.00006; TOPMed 0.00007; ESP Exome Variant Server 0.00008.
gnomAD v4.1: 110 of 1,605,704 alleles (0.0069%); highest among the groups gnomAD compares: Non-Finnish European, 0.0087%; no homozygotes.

Submissions (3):

PreventionGenetics, part of Exact Sciences
Classification: Likely benign for CLTC-related condition. Last evaluated: 2025-05-22. Review status: criteria provided, single submitter. Criteria: ACMG Guidelines, 2015. Collection method: clinical testing. Allele origin: germline.
Comment: This variant is classified as likely benign based on ACMG/AMP sequence variant interpretation guidelines (Richards et al. 2015 PMID: 25741868, with internal and published modifications).

Labcorp Genetics (formerly Invitae), Labcorp
Classification: Likely benign. Last evaluated: 2024-07-20. Review status: criteria provided, single submitter. Criteria: Invitae Variant Classification Sherloc (09022015). Collection method: clinical testing. Allele origin: germline.

Dr. Peter K. Rogan Lab, Western University
No classification provided (evidence only). Condition: Acute myeloid leukemia. Review status: no classification provided. Collection method: in vitro. Allele origin: not applicable. Functional consequence: retained intron. Not counted in ClinVar's aggregate classification.